The following is an entry in ClinVar:

NM_145207.3(AFG2A):c.314G>C (p.Gly105Ala)

Gene: AFG2A (AAA ATPase AFG2A; plus strand). Cytogenetic location: 4q28.1.
Variant type: single nucleotide variant.
Coding change: c.314G>C on transcript NM_145207.3 (MANE Select); coding-DNA position 314, G replaced by C.
Protein change: p.Gly105Ala; replaces glycine 105 with alanine.
Molecular consequence: missense variant.
Genome position (GRCh38, 1-based): chr4:122,929,065, G>C. VCF-style: chr4-122929065-G-C. GRCh37 (hg19) VCF-style: chr4-123850220-G-C.
Other names: c.311G>C, p.Gly104Ala (NM_001317799.2, NM_001345856.2); short protein forms G104A, G105A.
Identifiers: ClinVar variation 1023985 (VCV001023985.7), dbSNP rs916236528, ClinGen allele CA104809074.

ClinVar aggregate classification (germline): Uncertain significance. Review status: criteria provided, multiple submitters, no conflicts (2 of 4 stars). 4 submissions from 4 submitters: Uncertain significance (4). Last evaluated 2024-02-21.

Conditions:
Microcephaly-intellectual disability-sensorineural hearing loss-epilepsy-abnormal muscle tone syndrome (NEDHSB). Also called: NEURODEVELOPMENTAL DISORDER WITH HEARING LOSS, SEIZURES, AND BRAIN ABNORMALITIES. Identifiers: Orphanet 457351, MedGen C4225276, MONDO:0014698, OMIM 616577.
Inborn genetic diseases. Identifiers: MedGen C0950123, MeSH D030342.

Allele frequency attached by ClinVar (database versions not stated): gnomAD 0.00001; gnomAD exomes below 0.00001; TOPMed below 0.00001.
gnomAD v4.1: 8 of 1,613,756 alleles (0.0005%); highest among the groups gnomAD compares: East Asian, 0.0022%; no homozygotes.

Submissions (4):

GeneDx
Classification: Uncertain significance. Last evaluated: 2024-02-21. Review status: criteria provided, single submitter. Criteria: GeneDx Variant Classification Process June 2021. Collection method: clinical testing. Allele origin: germline. Affected: yes.
Comment: Not observed at significant frequency in large population cohorts (gnomAD); In silico analysis supports that this missense variant does not alter protein structure/function; Has not been previously published as pathogenic or benign to our knowledge

Ambry Genetics
Classification: Uncertain significance for Inborn genetic diseases. Last evaluated: 2023-12-15. Review status: criteria provided, single submitter. Criteria: Ambry Variant Classification Scheme 2023. Collection method: clinical testing. Allele origin: germline.

Revvity Omics, Revvity
Classification: Uncertain significance for Microcephaly-intellectual disability-sensorineural hearing loss-epilepsy-abnormal muscle tone syndrome. Last evaluated: 2023-10-03. Review status: criteria provided, single submitter. Criteria: ACMG Guidelines, 2015. Collection method: clinical testing. Allele origin: germline.

Labcorp Genetics (formerly Invitae), Labcorp
Classification: Uncertain significance for Microcephaly-intellectual disability-sensorineural hearing loss-epilepsy-abnormal muscle tone syndrome. Last evaluated: 2022-08-22. Review status: criteria provided, single submitter. Criteria: Invitae Variant Classification Sherloc (09022015). Collection method: clinical testing. Allele origin: germline.
Comment: This sequence change replaces glycine, which is neutral and non-polar, with alanine, which is neutral and non-polar, at codon 105 of the SPATA5 protein (p.Gly105Ala). This variant is present in population databases (no rsID available, gnomAD 0.003%). This variant has not been reported in the literature in individuals affected with SPATA5-related conditions. ClinVar contains an entry for this variant (Variation ID: 1023985). Algorithms developed to predict the effect of missense changes on protein structure and function (SIFT, PolyPhen-2, Align-GVGD) all suggest that this variant is likely to be tolerated. In summary, the available evidence is currently insufficient to determine the role of this variant in disease. Therefore, it has been classified as a Variant of Uncertain Significance.